The following is an entry in ClinVar:

ClinVar aggregate classification (germline): Uncertain significance (0 of 4 stars; one submission).

Conditions:
TBX4-related disorder. Also called: TBX4-related disorders; TBX4-related condition.

gnomAD v4.1: 3 of 1,613,712 alleles (0.00019%); highest among the groups gnomAD compares: Admixed American, 0.0033%; no homozygotes.

Submission:

PreventionGenetics, part of Exact Sciences
Classification: Uncertain significance for TBX4-related condition. Last evaluated: 2024-03-21. Review status: no assertion criteria provided. Collection method: clinical testing. Allele origin: germline.
Comment: The TBX4 c.893A>G variant is predicted to result in the amino acid substitution p.Gln298Arg. To our knowledge, this variant has not been reported in the literature. This variant is reported in 0.0058% of alleles in individuals of Latino descent in gnomAD. At this time, the clinical significance of this variant is uncertain due to the absence of conclusive functional and genetic evidence.

NM_001321120.2(TBX4):c.893A>G (p.Gln298Arg)

Gene: TBX4 (T-box transcription factor 4; plus strand). Cytogenetic location: 17q23.2.
Variant type: single nucleotide variant.
Coding change: c.893A>G on transcript NM_001321120.2 (MANE Select); coding-DNA position 893, A replaced by G.
Protein change: p.Gln298Arg; replaces glutamine 298 with arginine.
Molecular consequence: missense variant.
Genome position (GRCh38, 1-based): chr17:61,480,191, A>G. VCF-style: chr17-61480191-A-G. GRCh37 (hg19) VCF-style: chr17-59557552-A-G.
Other names: c.893A>G, p.Gln298Arg (NM_018488.3); short protein forms Q298R.
Identifiers: ClinVar variation 3351007 (VCV003351007.1).
Genomic context (GRCh38, chr17:61,480,191, plus strand): 5'-GGCTCATCTCCCCCCAGCTCTCAGCCACACCGGACGTGGGCCCCCTGCTCGGCACCCACC[A>G]GGCACTCCAGCACTACCAGCACGAGAACGGGGCACACTCACAGCTCGCGGAGCCGCAGGA-3'
Protein context (NP_001308049.1, residues 288-308): PDVGPLLGTH[Gln298Arg]ALQHYQHENG